The following is an entry in ClinVar:

ClinVar aggregate classification (germline): Uncertain significance. Review status: criteria provided, multiple submitters, no conflicts (2 of 4 stars). 3 submissions from 3 submitters: Uncertain significance (3). Last evaluated 2024-05-24.

Conditions:
Inborn genetic diseases. Identifiers: MedGen C0950123, MeSH D030342.
Skraban-Deardorff syndrome. Also called: WDR26-Related Intellectual Disability; INTELLECTUAL DISABILITY WITH SEIZURES, ABNORMAL GAIT, AND DISTINCTIVE FACIAL FEATURES. Identifiers: Orphanet 513456, MedGen C4539927, MONDO:0054636, OMIM 617616.

Allele frequency attached by ClinVar (database versions not stated): gnomAD 0.00001.
gnomAD v4.1: 9 of 1,613,930 alleles (0.00056%); highest among the groups gnomAD compares: South Asian, 0.0011%; no homozygotes.

Submissions (3):

Ambry Genetics
Classification: Uncertain significance for Inborn genetic diseases. Last evaluated: 2024-05-24. Review status: criteria provided, single submitter. Criteria: Ambry Variant Classification Scheme 2023. Collection method: clinical testing. Allele origin: germline.

Genomic Medicine Center of Excellence, King Faisal Specialist Hospital and Research Centre
Classification: Uncertain significance for Skraban-Deardorff syndrome. Last evaluated: 2024-04-04. Review status: criteria provided, single submitter. Criteria: ACMG Guidelines, 2015. Collection method: clinical testing. Allele origin: germline.

GeneDx
Classification: Uncertain significance. Last evaluated: 2020-02-12. Review status: criteria provided, single submitter. Criteria: GeneDx Variant Classification Process June 2021. Collection method: clinical testing. Allele origin: germline. Affected: yes.
Comment: Not observed in large population cohorts (Lek et al., 2016); In silico analysis supports that this missense variant does not alter protein structure/function; Has not been previously published as pathogenic or benign to our knowledge

NM_001083961.2(WDR62):c.3527C>T (p.Thr1176Met)

Gene: WDR62 (WD repeat domain 62; plus strand). Cytogenetic location: 19q13.12.
Variant type: single nucleotide variant.
Coding change: c.3527C>T on transcript NM_001083961.2 (MANE Select); coding-DNA position 3527, C replaced by T.
Protein change: p.Thr1176Met; replaces threonine 1176 with methionine.
Molecular consequence: missense variant.
Genome position (GRCh38, 1-based): chr19:36,103,355, C>T. VCF-style: chr19-36103355-C-T. GRCh37 (hg19) VCF-style: chr19-36594257-C-T.
Other names: c.3512C>T, p.Thr1171Met (NM_173636.5); short protein forms T1171M, T1176M.
Identifiers: ClinVar variation 1315328 (VCV001315328.4), dbSNP rs774735502, ClinGen allele CA405454290.
Genomic context (GRCh38, chr19:36,103,355, plus strand): 5'-GCCATCAGTTCTGTGTGGTGGAGTCAGTGCCATCTGCTTCCGTTACAGCTCCCTGCCTTA[C>T]GAGCCTGGCGTCCTGTGTCCCTGCTTCCTCCGTGCTGCCCACAGACAGGAATCTCCCAAC-3'
Protein context (NP_001077430.1, residues 1166-1186): EAWRPPPPCL[Thr1176Met]SLASCVPASS